The following is an entry in ClinVar:

NM_024675.4(PALB2):c.435C>T (p.Ser145=)

Gene: PALB2 (partner and localizer of BRCA2; minus strand). Cytogenetic location: 16p12.2.
Variant type: single nucleotide variant.
Coding change: c.435C>T on transcript NM_024675.4 (MANE Select); coding-DNA position 435, C replaced by T.
Protein change: p.Ser145=; no amino-acid change (serine 145 retained).
Molecular consequence: synonymous variant. On other transcripts: 5 prime UTR variant (8), intron variant (3).
Genome position (GRCh38, 1-based): chr16:23,636,111, G>A on the plus strand (C>T on the coding strand, the complement: PALB2 is on the minus strand). VCF-style: chr16-23636111-G-A. GRCh37 (hg19) VCF-style: chr16-23647432-G-A.
Other names: c.375C>T, p.Ser125= (NM_001407296.1); c.435C>T, p.Ser145= (NM_001407297.1, NM_001407298.1, NM_001407299.1 and 3 more transcripts); c.-451C>T (NM_001407304.1, NM_001407305.1, NM_001407306.1 and 5 more transcripts); c.48+4999C>T (NM_001407314.1); c.-105+4999C>T (NM_001407313.1, NM_001407312.1).
Identifiers: ClinVar variation 2567574 (VCV002567574.6), dbSNP rs2142443491, ClinGen allele CA494462174.

ClinVar aggregate classification (germline): Benign/Likely benign. Review status: criteria provided, multiple submitters, no conflicts (2 of 4 stars). 3 submissions from 3 submitters: Benign (1); Likely benign (2). Last evaluated 2025-01-10.

Conditions:
Hereditary cancer-predisposing syndrome. Also called: Hereditary neoplastic syndrome; Hereditary Cancer Syndrome; Neoplastic Syndromes, Hereditary; Tumor predisposition. Identifiers: Orphanet 140162, MedGen C0027672, MeSH D009386, MONDO:0015356.
Familial cancer of breast. Also called: hereditary breast carcinoma; Hereditary breast cancer; BREAST CANCER, FAMILIAL. Identifiers: Orphanet 227535, MedGen C0346153, MONDO:0016419, OMIM 114480. Disease mechanism: loss of function.

Allele frequency attached by ClinVar (database versions not stated): gnomAD exomes below 0.00001.
gnomAD v4.1: 1 of 1,613,488 alleles (0.000062%); highest among the groups gnomAD compares: South Asian, 0.0011%; no homozygotes.

Submissions (3):

Myriad Genetics, Inc.
Classification: Benign for Familial cancer of breast. Last evaluated: 2025-01-10. Review status: criteria provided, single submitter. Criteria: Myriad Autosomal Dominant, Autosomal Recessive and X-Linked Classification Criteria (2023). Collection method: clinical testing. Allele origin: unknown.
Comment: This variant is considered benign. This variant is a silent/synonymous amino acid change and it is not expected to impact splicing.

Ambry Genetics
Classification: Likely benign for Hereditary cancer-predisposing syndrome. Last evaluated: 2023-05-01. Review status: criteria provided, single submitter. Criteria: Ambry Variant Classification Scheme 2023. Collection method: clinical testing. Allele origin: germline.

Labcorp Genetics (formerly Invitae), Labcorp
Classification: Likely benign for Familial cancer of breast. Last evaluated: 2022-12-30. Review status: criteria provided, single submitter. Criteria: Invitae Variant Classification Sherloc (09022015). Collection method: clinical testing. Allele origin: germline.